The following is an entry in ClinVar:

NM_017534.6(MYH2):c.3536A>G (p.Lys1179Arg)

Genes: MYH2 (myosin heavy chain 2; minus strand), MYHAS (myosin heavy chain gene cluster antisense RNA; plus strand). Cytogenetic location: 17p13.1.
Variant type: single nucleotide variant.
Coding change: c.3536A>G on transcript NM_017534.6 (MANE Select); coding-DNA position 3536, A replaced by G.
Protein change: p.Lys1179Arg; replaces lysine 1179 with arginine.
Molecular consequence: missense variant.
Genome position (GRCh38, 1-based): chr17:10,528,898, T>C on the plus strand (A>G on the coding strand, the complement: MYH2 is on the minus strand). VCF-style: chr17-10528898-T-C. GRCh37 (hg19) VCF-style: chr17-10432215-T-C.
Other names: c.3536A>G, p.Lys1179Arg (NM_001100112.2); short protein forms K1179R.
Identifiers: ClinVar variation 1718945 (VCV001718945.6), dbSNP rs2508428540, ClinGen allele CA398133513.

ClinVar aggregate classification (germline): Uncertain significance (1 of 4 stars; one submission).

Conditions:
Myopathy, proximal, and ophthalmoplegia (CMYO6). Also called: CONGENITAL MYOPATHY 6 WITH OPHTHALMOPLEGIA; MYOPATHY WITH CONGENITAL JOINT CONTRACTURES, OPHTHALMOPLEGIA, AND RIMMED VACUOLES; INCLUSION BODY MYOPATHY 3, AUTOSOMAL DOMINANT. Identifiers: Orphanet 363677, Orphanet 79091, MedGen C1854106, MONDO:0011577, OMIM 605637.

Submission:

Labcorp Genetics (formerly Invitae), Labcorp
Classification: Uncertain significance for Myopathy, proximal, and ophthalmoplegia. Last evaluated: 2022-09-06. Review status: criteria provided, single submitter. Criteria: Invitae Variant Classification Sherloc (09022015). Collection method: clinical testing. Allele origin: germline.
Comment: This variant is not present in population databases (gnomAD no frequency). In summary, the available evidence is currently insufficient to determine the role of this variant in disease. Therefore, it has been classified as a Variant of Uncertain Significance. Algorithms developed to predict the effect of missense changes on protein structure and function (SIFT, PolyPhen-2, Align-GVGD) all suggest that this variant is likely to be disruptive. This variant has not been reported in the literature in individuals affected with MYH2-related conditions. This sequence change replaces lysine, which is basic and polar, with arginine, which is basic and polar, at codon 1179 of the MYH2 protein (p.Lys1179Arg).